The following is an entry in ClinVar:

ClinVar aggregate classification (germline): Uncertain significance (1 of 4 stars; one submission).

gnomAD v4.1: 12 of 1,613,794 alleles (0.00074%); highest among the groups gnomAD compares: Admixed American, 0.02%; no homozygotes.

Submission:

Labcorp Genetics (formerly Invitae), Labcorp
Classification: Uncertain significance. Last evaluated: 2025-10-02. Review status: criteria provided, single submitter. Criteria: Invitae Variant Classification Sherloc (09022015). Collection method: clinical testing. Allele origin: germline.
Comment: This sequence change replaces histidine, which is basic and polar, with glutamine, which is neutral and polar, at codon 548 of the FMN1 protein (p.His548Gln). This variant is present in population databases (rs201323676, gnomAD 0.03%). This variant has not been reported in the literature in individuals affected with FMN1-related conditions. ClinVar contains an entry for this variant (Variation ID: 2738630). An algorithm developed to predict the effect of missense changes on protein structure and function outputs the following: PolyPhen-2: "Not Available". The glutamine amino acid residue is found in multiple mammalian species, which suggests that this missense change does not adversely affect protein function. In summary, the available evidence is currently insufficient to determine the role of this variant in disease. Therefore, it has been classified as a Variant of Uncertain Significance.

NM_001277313.2(FMN1):c.2313C>G (p.His771Gln)

Gene: FMN1 (formin 1; minus strand). Cytogenetic location: 15q13.3.
Variant type: single nucleotide variant.
Coding change: c.2313C>G on transcript NM_001277313.2 (MANE Select); coding-DNA position 2313, C replaced by G.
Protein change: p.His771Gln; replaces histidine 771 with glutamine.
Molecular consequence: missense variant.
Genome position (GRCh38, 1-based): chr15:32,969,388, G>C on the plus strand (C>G on the coding strand, the complement: FMN1 is on the minus strand). VCF-style: chr15-32969388-G-C. GRCh37 (hg19) VCF-style: chr15-33261589-G-C.
Other names: c.1644C>G, p.His548Gln (NM_001103184.4); short protein forms H771Q, H548Q.
Identifiers: ClinVar variation 2738630 (VCV002738630.3), dbSNP rs201323676, ClinGen allele CA7456982.